The following is an entry in ClinVar:

ClinVar aggregate classification (germline): Uncertain significance. Review status: criteria provided, multiple submitters, no conflicts (2 of 4 stars). 3 submissions from 3 submitters: Uncertain significance (3). Last evaluated 2024-02-06.

Conditions:
Hereditary cancer-predisposing syndrome. Also called: Neoplastic Syndromes, Hereditary; Tumor predisposition; Hereditary Cancer Syndrome; Hereditary neoplastic syndrome. Identifiers: Orphanet 140162, MedGen C0027672, MeSH D009386, MONDO:0015356.
Familial cancer of breast. Also called: BREAST CANCER, FAMILIAL; Hereditary breast cancer; hereditary breast carcinoma. Identifiers: Orphanet 227535, MedGen C0346153, MONDO:0016419, OMIM 114480. Disease mechanism: loss of function.

Allele frequency attached by ClinVar (database versions not stated): gnomAD exomes below 0.00001.
gnomAD v4.1: 2 of 1,612,966 alleles (0.00012%); highest among the groups gnomAD compares: Non-Finnish European, 0.00017%; no homozygotes.

Submissions (3):

Ambry Genetics
Classification: Uncertain significance for Hereditary cancer-predisposing syndrome. Last evaluated: 2024-02-06. Review status: criteria provided, single submitter. Criteria: Ambry Variant Classification Scheme 2023. Collection method: clinical testing. Allele origin: germline.
Comment: The p.Q1004P variant (also known as c.3011A>C), located in coding exon 10 of the PALB2 gene, results from an A to C substitution at nucleotide position 3011. The glutamine at codon 1004 is replaced by proline, an amino acid with similar properties. This amino acid position is not well conserved in available vertebrate species. In addition, this alteration is predicted to be tolerated by in silico analysis. Since supporting evidence is limited at this time, the clinical significance of this alteration remains unclear.

Labcorp Genetics (formerly Invitae), Labcorp
Classification: Uncertain significance for Familial cancer of breast. Last evaluated: 2024-01-09. Review status: criteria provided, single submitter. Criteria: Invitae Variant Classification Sherloc (09022015). Collection method: clinical testing. Allele origin: germline.
Comment: This sequence change replaces glutamine, which is neutral and polar, with proline, which is neutral and non-polar, at codon 1004 of the PALB2 protein (p.Gln1004Pro). This variant is not present in population databases (gnomAD no frequency). This variant has not been reported in the literature in individuals affected with PALB2-related conditions. ClinVar contains an entry for this variant (Variation ID: 484232). Advanced modeling of protein sequence and biophysical properties (such as structural, functional, and spatial information, amino acid conservation, physicochemical variation, residue mobility, and thermodynamic stability) performed at Invitae indicates that this missense variant is expected to disrupt PALB2 protein function with a positive predictive value of 80%. In summary, the available evidence is currently insufficient to determine the role of this variant in disease. Therefore, it has been classified as a Variant of Uncertain Significance.

Color Diagnostics, LLC DBA Color Health
Classification: Uncertain significance for Hereditary cancer-predisposing syndrome. Last evaluated: 2023-12-05. Review status: criteria provided, single submitter. Criteria: ACMG Guidelines, 2015. Collection method: clinical testing. Allele origin: germline.
Comment: This missense variant replaces glutamine with proline at codon 1004 of the PALB2 protein. Computational prediction suggests that this variant may not impact protein structure and function (internally defined REVEL score threshold <= 0.5, PMID: 27666373). To our knowledge, functional studies have not been reported for this variant. This variant has not been reported in individuals affected with PALB2-related disorders in the literature. This variant has not been identified in the general population by the Genome Aggregation Database (gnomAD). The available evidence is insufficient to determine the role of this variant in disease conclusively. Therefore, this variant is classified as a Variant of Uncertain Significance.

NM_024675.4(PALB2):c.3011A>C (p.Gln1004Pro)

Gene: PALB2 (partner and localizer of BRCA2; minus strand). Cytogenetic location: 16p12.2.
Variant type: single nucleotide variant.
Coding change: c.3011A>C on transcript NM_024675.4 (MANE Select); coding-DNA position 3011, A replaced by C.
Protein change: p.Gln1004Pro; replaces glutamine 1004 with proline.
Molecular consequence: missense variant.
Genome position (GRCh38, 1-based): chr16:23,621,464, T>G on the plus strand (A>C on the coding strand, the complement: PALB2 is on the minus strand). VCF-style: chr16-23621464-T-G. GRCh37 (hg19) VCF-style: chr16-23632785-T-G.
Other names: short protein forms Q1004P.
Identifiers: ClinVar variation 484232 (VCV000484232.12), dbSNP rs1555459415, ClinGen allele CA395143171.
Genomic context (GRCh38, chr16:23,621,464, plus strand): 5'-TCTTGCATCCCTTGGACCTCAGCAAAAGTTAGTATAGTCTCCTCAGGGGGCATCAAAAAT[T>G]GGTTTTCTTTGCCTCTGTAATTAAAACAGTATGAAAAGTCAGTACTTTGCACTAAAGCAG-3'
Protein context (NP_078951.2, residues 994-1014): FAEDGGGKEN[Gln1004Pro]FLMPPEETIL